The following is an entry in ClinVar:

ClinVar aggregate classification (germline): Conflicting classifications of pathogenicity. Review status: criteria provided, conflicting classifications (1 of 4 stars). 3 submissions from 3 submitters: Uncertain significance (2); Likely benign (1). Last evaluated 2025-11-04.

Conditions:
Cardiovascular phenotype. Identifiers: MedGen CN230736.
Dilated cardiomyopathy 1JJ (CMD1JJ). Identifiers: Orphanet 154, MedGen C3808935, MONDO:0014095, OMIM 615235.

Allele frequency attached by ClinVar (database versions not stated): gnomAD exomes 0.00003; ExAC 0.00004; gnomAD 0.00001; TOPMed 0.00005.
gnomAD v4.1: 34 of 1,613,810 alleles (0.0021%); highest among the groups gnomAD compares: Admixed American, 0.01%; no homozygotes.

Submissions (3):

Ambry Genetics
Classification: Likely benign for Cardiovascular phenotype. Last evaluated: 2025-11-04. Review status: criteria provided, single submitter. Criteria: Ambry Variant Classification Scheme 2023. Collection method: clinical testing. Allele origin: germline.

Labcorp Genetics (formerly Invitae), Labcorp
Classification: Uncertain significance for Dilated cardiomyopathy 1JJ. Last evaluated: 2025-07-21. Review status: criteria provided, single submitter. Criteria: Invitae Variant Classification Sherloc (09022015). Collection method: clinical testing. Allele origin: germline.
Comment: This sequence change replaces arginine, which is basic and polar, with histidine, which is basic and polar, at codon 1495 of the LAMA4 protein (p.Arg1495His). This variant is present in population databases (rs781976795, gnomAD 0.01%). This variant has not been reported in the literature in individuals affected with LAMA4-related conditions. ClinVar contains an entry for this variant (Variation ID: 846716). Invitae Evidence Modeling of protein sequence and biophysical properties (such as structural, functional, and spatial information, amino acid conservation, physicochemical variation, residue mobility, and thermodynamic stability) indicates that this missense variant is not expected to disrupt LAMA4 protein function with a negative predictive value of 80%. In summary, the available evidence is currently insufficient to determine the role of this variant in disease. Therefore, it has been classified as a Variant of Uncertain Significance.

Fulgent Genetics
Classification: Uncertain significance for Dilated cardiomyopathy 1JJ. Last evaluated: 2021-07-26. Review status: criteria provided, single submitter. Criteria: ACMG Guidelines, 2015. Collection method: clinical testing. Allele origin: unknown.

NM_001105206.3(LAMA4):c.4505G>A (p.Arg1502His)

Gene: LAMA4 (laminin subunit alpha 4; minus strand). Cytogenetic location: 6q21.
Variant type: single nucleotide variant.
Coding change: c.4505G>A on transcript NM_001105206.3 (MANE Select); coding-DNA position 4505, G replaced by A.
Protein change: p.Arg1502His; replaces arginine 1502 with histidine.
Molecular consequence: missense variant.
Genome position (GRCh38, 1-based): chr6:112,120,443, C>T on the plus strand (G>A on the coding strand, the complement: LAMA4 is on the minus strand). VCF-style: chr6-112120443-C-T. GRCh37 (hg19) VCF-style: chr6-112441646-C-T.
Other names: c.4484G>A, p.Arg1495His (NM_001105207.3, NM_002290.5); short protein forms R1495H, R1502H.
Identifiers: ClinVar variation 846716 (VCV000846716.14), dbSNP rs781976795, ClinGen allele CA3964966.